The following is an entry in ClinVar:

NM_000142.5(FGFR3):c.1411C>T (p.Arg471Trp)

Gene: FGFR3 (fibroblast growth factor receptor 3; plus strand). Cytogenetic location: 4p16.3.
Variant type: single nucleotide variant.
Coding change: c.1411C>T on transcript NM_000142.5 (MANE Select); coding-DNA position 1411, C replaced by T.
Protein change: p.Arg471Trp; replaces arginine 471 with tryptophan.
Molecular consequence: missense variant. On other transcripts: non-coding transcript variant (1).
Genome position (GRCh38, 1-based): chr4:1,804,968, C>T. VCF-style: chr4-1804968-C-T. GRCh37 (hg19) VCF-style: chr4-1806695-C-T.
Other names: c.1417C>T, p.Arg473Trp (NM_001163213.2); c.1414C>T, p.Arg472Trp (NM_001354809.2, NM_001354810.2); c.1075C>T, p.Arg359Trp (NM_022965.4); c.1411C>T (NM_000142.4); short protein forms R359W, R471W, R472W, R473W.
Identifiers: ClinVar variation 1680074 (VCV001680074.5), dbSNP rs533045918, ClinGen allele CA2810374.

ClinVar aggregate classification (germline): Uncertain significance. Review status: criteria provided, multiple submitters, no conflicts (2 of 4 stars). 2 submissions from 2 submitters: Uncertain significance (2). Last evaluated 2026-02-25.

Conditions:
Inborn genetic diseases. Identifiers: MedGen C0950123, MeSH D030342.

Allele frequency attached by ClinVar (database versions not stated): gnomAD 0.00003; gnomAD exomes 0.00003; ExAC 0.00006; 1000 Genomes Project 30x 0.00016; 1000 Genomes Project 0.00040.
gnomAD v4.1: 112 of 1,548,416 alleles (0.0072%); highest among the groups gnomAD compares: South Asian, 0.011%; no homozygotes.

Submissions (2):

Ambry Genetics
Classification: Uncertain significance for Inborn genetic diseases. Last evaluated: 2026-02-25. Review status: criteria provided, single submitter. Criteria: Ambry Variant Classification Scheme 2023. Collection method: clinical testing. Allele origin: germline.
Comment: The c.1411C>T (p.R471W) alteration is located in exon 10 (coding exon 9) of the FGFR3 gene. This alteration results from a C to T substitution at nucleotide position 1411, causing the arginine (R) at amino acid position 471 to be replaced by a tryptophan (W). Based on data from gnomAD, the T allele has an overall frequency of 0.003% (4/155920) total alleles studied. The highest observed frequency was 0.004% (1/22704) of South Asian alleles. Based on insufficient or conflicting evidence, the clinical significance of this alteration remains unclear.

Labcorp Genetics (formerly Invitae), Labcorp
Classification: Uncertain significance. Last evaluated: 2025-12-17. Review status: criteria provided, single submitter. Criteria: Invitae Variant Classification Sherloc (09022015). Collection method: clinical testing. Allele origin: germline.
Comment: This sequence change replaces arginine, which is basic and polar, with tryptophan, which is neutral and slightly polar, at codon 471 of the FGFR3 protein (p.Arg471Trp). The frequency data for this variant in the population databases is considered unreliable, as metrics indicate poor data quality at this position in the gnomAD database. This variant has not been reported in the literature in individuals affected with FGFR3-related conditions. ClinVar contains an entry for this variant (Variation ID: 1680074). An algorithm developed to predict the effect of missense changes on protein structure and function (PolyPhen-2) suggests that this variant is likely to be disruptive. In summary, the available evidence is currently insufficient to determine the role of this variant in disease. Therefore, it has been classified as a Variant of Uncertain Significance.